The following is an entry in ClinVar:

ClinVar aggregate classification (germline): Uncertain significance. Review status: criteria provided, multiple submitters, no conflicts (2 of 4 stars). 3 submissions from 3 submitters: Uncertain significance (3). Last evaluated 2025-04-13.

Conditions:
Inborn genetic diseases. Identifiers: MedGen C0950123, MeSH D030342.
Saldino-Mainzer syndrome (SRTD9). Also called: Renal dysplasia, retinal pigmentary dystrophy, cerebellar ataxia and skeletal dysplasia; SHORT-RIB THORACIC DYSPLASIA 9 WITHOUT POLYDACTYLY; short-rib thoracic dysplasia 9 with or without polydactyly; CONORENAL SYNDROME. Identifiers: Orphanet 140969, MedGen C1849437, MONDO:0009964, OMIM 266920.

Allele frequency attached by ClinVar (database versions not stated): ExAC 0.00002; gnomAD exomes 0.00003; ESP Exome Variant Server 0.00008.
gnomAD v4.1: 23 of 1,614,084 alleles (0.0014%); highest among the groups gnomAD compares: South Asian, 0.0022%; no homozygotes.

Submissions (3):

Labcorp Genetics (formerly Invitae), Labcorp
Classification: Uncertain significance for Saldino-Mainzer syndrome. Last evaluated: 2025-04-13. Review status: criteria provided, single submitter. Criteria: Invitae Variant Classification Sherloc (09022015). Collection method: clinical testing. Allele origin: germline.
Comment: This sequence change replaces glutamic acid, which is acidic and polar, with lysine, which is basic and polar, at codon 201 of the IFT140 protein (p.Glu201Lys). This variant is present in population databases (rs367721062, gnomAD 0.01%). This variant has not been reported in the literature in individuals affected with IFT140-related conditions. ClinVar contains an entry for this variant (Variation ID: 1059292). Invitae Evidence Modeling of protein sequence and biophysical properties (such as structural, functional, and spatial information, amino acid conservation, physicochemical variation, residue mobility, and thermodynamic stability) indicates that this missense variant is not expected to disrupt IFT140 protein function with a negative predictive value of 80%. In summary, the available evidence is currently insufficient to determine the role of this variant in disease. Therefore, it has been classified as a Variant of Uncertain Significance.

Ambry Genetics
Classification: Uncertain significance for Inborn genetic diseases. Last evaluated: 2023-10-20. Review status: criteria provided, single submitter. Criteria: Ambry Variant Classification Scheme 2023. Collection method: clinical testing. Allele origin: germline.

Blueprint Genetics
Classification: Uncertain significance. Last evaluated: 2017-06-06. Review status: criteria provided, single submitter. Criteria: ACMG Guidelines, 2015. Collection method: clinical testing. Allele origin: germline.

NM_014714.4(IFT140):c.601G>A (p.Glu201Lys)

Genes: IFT140 (intraflagellar transport 140; minus strand), LOC105371046 (uncharacterized LOC105371046; plus strand). Cytogenetic location: 16p13.3.
Variant type: single nucleotide variant.
Coding change: c.601G>A on transcript NM_014714.4 (MANE Select); coding-DNA position 601, G replaced by A.
Protein change: p.Glu201Lys; replaces glutamic acid 201 with lysine.
Molecular consequence: missense variant.
Genome position (GRCh38, 1-based): chr16:1,592,209, C>T on the plus strand (G>A on the coding strand, the complement: IFT140 is on the minus strand). VCF-style: chr16-1592209-C-T. GRCh37 (hg19) VCF-style: chr16-1642210-C-T.
Other names: c.601G>A (NM_014714.3); short protein forms E201K.
Identifiers: ClinVar variation 1059292 (VCV001059292.9), dbSNP rs367721062, ClinGen allele CA7814650.